The following is an entry in ClinVar:

ClinVar aggregate classification (germline): Uncertain significance. Review status: criteria provided, multiple submitters, no conflicts (2 of 4 stars). 2 submissions from 2 submitters: Uncertain significance (2). Last evaluated 2026-05-01.

Conditions:
Hereditary cancer-predisposing syndrome. Also called: Hereditary neoplastic syndrome; Neoplastic Syndromes, Hereditary; Tumor predisposition; Hereditary Cancer Syndrome. Identifiers: Orphanet 140162, MedGen C0027672, MeSH D009386, MONDO:0015356.
Neuroblastoma, susceptibility to, 3. Also called: ALK-Related Neuroblastic Tumor Susceptibility. Identifiers: Orphanet 635, MedGen C2751681, MONDO:0013083, OMIM 613014.

Submissions (2):

Ambry Genetics
Classification: Uncertain significance for Hereditary cancer-predisposing syndrome. Last evaluated: 2026-05-01. Review status: criteria provided, single submitter. Criteria: Ambry Variant Classification Scheme 2023. Collection method: clinical testing. Allele origin: germline.
Comment: The p.G1531V variant (also known as c.4592G>T), located in coding exon 29 of the ALK gene, results from a G to T substitution at nucleotide position 4592. The glycine at codon 1531 is replaced by valine, an amino acid with dissimilar properties. This amino acid position is conserved. In addition, this alteration is predicted to be tolerated by in silico analysis. Based on the available evidence, the clinical significance of this variant remains unclear.

Labcorp Genetics (formerly Invitae), Labcorp
Classification: Uncertain significance for Neuroblastoma, susceptibility to, 3. Last evaluated: 2025-11-05. Review status: criteria provided, single submitter. Criteria: Invitae Variant Classification Sherloc (09022015). Collection method: clinical testing. Allele origin: germline.
Comment: This sequence change replaces glycine, which is neutral and non-polar, with valine, which is neutral and non-polar, at codon 1531 of the ALK protein (p.Gly1531Val). This variant is not present in population databases (gnomAD no frequency). This variant has not been reported in the literature in individuals affected with ALK-related conditions. ClinVar contains an entry for this variant (Variation ID: 1053171). An algorithm developed to predict the effect of missense changes on protein structure and function (PolyPhen-2) suggests that this variant is likely to be tolerated. In summary, the available evidence is currently insufficient to determine the role of this variant in disease. Therefore, it has been classified as a Variant of Uncertain Significance.

NM_004304.5(ALK):c.4592G>T (p.Gly1531Val)

Gene: ALK (ALK receptor tyrosine kinase; minus strand). Cytogenetic location: 2p23.2.
Variant type: single nucleotide variant.
Coding change: c.4592G>T on transcript NM_004304.5 (MANE Select); coding-DNA position 4592, G replaced by T.
Protein change: p.Gly1531Val; replaces glycine 1531 with valine.
Molecular consequence: missense variant.
Genome position (GRCh38, 1-based): chr2:29,193,495, C>A on the plus strand (G>T on the coding strand, the complement: ALK is on the minus strand). VCF-style: chr2-29193495-C-A. GRCh37 (hg19) VCF-style: chr2-29416361-C-A.
Other names: c.1388G>T, p.Gly463Val (NM_001353765.2); c.4592G>T (NM_004304.4); short protein forms G1531V, G463V.
Identifiers: ClinVar variation 1053171 (VCV001053171.10), dbSNP rs1668933433, ClinGen allele CA346460649.